The following is an entry in ClinVar:

ClinVar aggregate classification (germline): Likely pathogenic (1 of 4 stars; one submission).

Allele frequency attached by ClinVar (database versions not stated): gnomAD exomes below 0.00001; TOPMed below 0.00001.
gnomAD v4.1: 1 of 1,587,772 alleles (0.000063%); highest among the groups gnomAD compares: East Asian, 0.0023%; no homozygotes.

Submission:

Labcorp Genetics (formerly Invitae), Labcorp
Classification: Likely pathogenic. Last evaluated: 2023-08-27. Review status: criteria provided, single submitter. Criteria: Invitae Variant Classification Sherloc (09022015). Collection method: clinical testing. Allele origin: germline.
Comment: In summary, the currently available evidence indicates that the variant is pathogenic, but additional data are needed to prove that conclusively. Therefore, this variant has been classified as Likely Pathogenic. Algorithms developed to predict the effect of sequence changes on RNA splicing suggest that this variant may disrupt the consensus splice site. This variant has not been reported in the literature in individuals affected with RINT1-related conditions. This variant is not present in population databases (gnomAD no frequency). This sequence change affects a donor splice site in intron 10 of the RINT1 gene. It is expected to disrupt RNA splicing. Variants that disrupt the donor or acceptor splice site typically lead to a loss of protein function (PMID: 16199547), and loss-of-function variants in RINT1 are known to be pathogenic (PMID: 31204009).

Literature cited by the submitters: PubMed 16199547; PubMed 31204009.

NM_021930.6(RINT1):c.1471+1G>T

Gene: RINT1 (RAD50 interactor 1; plus strand). Cytogenetic location: 7q22.3.
Variant type: single nucleotide variant.
Coding change: c.1471+1G>T on transcript NM_021930.6 (MANE Select); the canonical splice donor site of the intron after coding-DNA position 1471, G replaced by T.
Molecular consequence: splice donor variant.
Genome position (GRCh38, 1-based): chr7:105,551,708, G>T. VCF-style: chr7-105551708-G-T. GRCh37 (hg19) VCF-style: chr7-105192155-G-T.
Other names: c.448+1G>T (NM_001346600.2, NM_001346603.2); c.547+1G>T (NM_001346601.2); c.1237+1G>T (NM_001346599.2).
Identifiers: ClinVar variation 2889830 (VCV002889830.3), dbSNP rs1790935805, ClinGen allele CA368810619.